The following is an entry in ClinVar:

NM_001205293.3(CACNA1E):c.2075-5C>T

Gene: CACNA1E (calcium voltage-gated channel subunit alpha1 E; plus strand). Cytogenetic location: 1q25.3.
Variant type: single nucleotide variant.
Coding change: c.2075-5C>T on transcript NM_001205293.3 (MANE Select); 5 bases into the intron before coding-DNA position 2075, C replaced by T.
Molecular consequence: intron variant.
Genome position (GRCh38, 1-based): chr1:181,724,465, C>T. VCF-style: chr1-181724465-C-T. GRCh37 (hg19) VCF-style: chr1-181693601-C-T.
Other names: c.2075-5C>T (NM_000721.4, NM_001205294.2).
Identifiers: ClinVar variation 2527482 (VCV002527482.2), dbSNP rs1044609951, ClinGen allele CA33822730.
Genomic context (GRCh38, chr1:181,724,465, plus strand): 5'-GGCCTCTCAGCCTTGCTGAAGACTTTTGCTTTTCTTATTTGCCCATCCTTAATTCATCAC[C>T]CCAGACACGCTACTGAATGTGTTCTTGGCTATCGCTGTGGATAATCTCGCCAACGCCCAG-3'

ClinVar aggregate classification (germline): Uncertain significance (1 of 4 stars; one submission).

Conditions:
Inborn genetic diseases. Identifiers: MedGen C0950123, MeSH D030342.

Submission:

Ambry Genetics
Classification: Uncertain significance for Inborn genetic diseases. Last evaluated: 2023-04-12. Review status: criteria provided, single submitter. Criteria: Ambry Variant Classification Scheme 2023. Collection method: clinical testing. Allele origin: germline.
Comment: The c.2075-5C>T intronic alteration consists of a C to T substitution 5 nucleotides before coding exon 17 in the CACNA1E gene. Based on insufficient or conflicting evidence, the clinical significance of this alteration remains unclear.